The following is an entry in ClinVar:

ClinVar aggregate classification (germline): Conflicting classifications of pathogenicity. Review status: criteria provided, conflicting classifications (1 of 4 stars). 2 submissions from 2 submitters: Uncertain significance (1); Likely benign (1). Last evaluated 2026-01-13.

Conditions:
Familial thoracic aortic aneurysm and aortic dissection (TAAD). Also called: Thoracic aortic aneurysms and dissections. Identifiers: Orphanet 91387, MedGen C4707243, MONDO:0019625.
Ehlers-Danlos syndrome, kyphoscoliotic type 1 (EDSKSCL1). Also called: EHLERS-DANLOS SYNDROME, TYPE VIA; Ehlers-Danlos syndrome, hydroxylysine-deficient; EHLERS-DANLOS SYNDROME, OCULAR-SCOLIOTIC TYPE; PLOD1-Related Kyphoscoliotic Ehlers-Danlos Syndrome. Identifiers: Orphanet 1900, MedGen C0268342, MONDO:0016002, OMIM 225400. Disease mechanism: loss of function.

Allele frequency attached by ClinVar (database versions not stated): gnomAD exomes 0.00002 and 0.00003; ExAC 0.00003; gnomAD 0.00003 and 0.00004; TOPMed 0.00004; ESP Exome Variant Server 0.00008.
gnomAD v4.1: 40 of 1,613,280 alleles (0.0025%); highest among the groups gnomAD compares: African/African-American, 0.0053%; no homozygotes.

Submissions (2):

Labcorp Genetics (formerly Invitae), Labcorp
Classification: Likely benign for Ehlers-Danlos syndrome, kyphoscoliotic type 1. Last evaluated: 2026-01-13. Review status: criteria provided, single submitter. Criteria: Invitae Variant Classification Sherloc (09022015). Collection method: clinical testing. Allele origin: germline.

Ambry Genetics
Classification: Uncertain significance for Familial thoracic aortic aneurysm and aortic dissection. Last evaluated: 2025-04-18. Review status: criteria provided, single submitter. Criteria: Ambry Variant Classification Scheme 2023. Collection method: clinical testing. Allele origin: germline.
Comment: The c.1026C>T variant (also known as p.S342S), located in coding exon 10 of the PLOD1 gene, results from a C to T substitution at nucleotide position 1026. This nucleotide substitution does not change amino acid the at codon 342. This nucleotide position is not well conserved in available vertebrate species. In silico splice site analysis predicts that this alteration will result in the creation or strengthening of a novel splice donor site. Based on the available evidence, the clinical significance of this variant remains unclear.

NM_000302.4(PLOD1):c.1026C>T (p.Ser342=)

Gene: PLOD1 (procollagen-lysine,2-oxoglutarate 5-dioxygenase 1; plus strand). Cytogenetic location: 1p36.22.
Variant type: single nucleotide variant.
Coding change: c.1026C>T on transcript NM_000302.4 (MANE Select); coding-DNA position 1026, C replaced by T.
Protein change: p.Ser342=; no amino-acid change (serine 342 retained).
Molecular consequence: synonymous variant.
Genome position (GRCh38, 1-based): chr1:11,960,696, C>T. VCF-style: chr1-11960696-C-T. GRCh37 (hg19) VCF-style: chr1-12020753-C-T.
Other names: c.1167C>T, p.Ser389= (NM_001316320.2).
Identifiers: ClinVar variation 459800 (VCV000459800.10), dbSNP rs140159343, ClinGen allele CA598241.
Genomic context (GRCh38, chr1:11,960,696, plus strand): 5'-CCAACCCCAGGAGCAGCACCACAAGGCTCAGGTGGAAGAGTTCCTGGCACAGCATGGCAG[C>T]GAGTACCAGTCTGTGAAGCTGGTGGGCCCTGAGGTGCGGATGGCGAATGCAGATGCCAGG-3'
Protein context (NP_000293.2, residues 332-352): QVEEFLAQHG[Ser342=]EYQSVKLVGP